The following is an entry in ClinVar:

NM_001999.4(FBN2):c.3518C>G (p.Thr1173Ser)

Gene: FBN2 (fibrillin 2; minus strand). Cytogenetic location: 5q23.3.
Variant type: single nucleotide variant.
Coding change: c.3518C>G on transcript NM_001999.4 (MANE Select); coding-DNA position 3518, C replaced by G.
Protein change: p.Thr1173Ser; replaces threonine 1173 with serine.
Molecular consequence: missense variant.
Genome position (GRCh38, 1-based): chr5:128,338,077, G>C on the plus strand (C>G on the coding strand, the complement: FBN2 is on the minus strand). VCF-style: chr5-128338077-G-C. GRCh37 (hg19) VCF-style: chr5-127673769-G-C.
Other names: short protein forms T1173S.
Identifiers: ClinVar variation 213229 (VCV000213229.20), dbSNP rs199678757, ClinGen allele CA323111.

ClinVar aggregate classification (germline): Benign/Likely benign. Review status: criteria provided, multiple submitters, no conflicts (2 of 4 stars). 6 submissions from 6 submitters: Benign (1); Likely benign (5). Last evaluated 2025-12-31.

Conditions:
Macular degeneration, early-onset (EOMD). Identifiers: MedGen C4015286, MONDO:0014501, OMIM 616118.
Congenital contractural arachnodactyly (CCA). Also called: BEALS SYNDROME; Beals-Hecht syndrome; Arthrogryposis, distal, type 9. Identifiers: Orphanet 115, MedGen C0220668, MONDO:0007363, OMIM 121050.
Familial thoracic aortic aneurysm and aortic dissection (TAAD). Also called: Thoracic aortic aneurysms and dissections. Identifiers: Orphanet 91387, MedGen C4707243, MONDO:0019625.

Allele frequency attached by ClinVar (database versions not stated): gnomAD 0.00008 and 0.00021; TOPMed 0.00008; 1000 Genomes Project 30x 0.00078; 1000 Genomes Project 0.00100; ExAC 0.00034; gnomAD exomes 0.00050.
gnomAD v4.1: 739 of 1,614,020 alleles (0.046%); highest among the groups gnomAD compares: East Asian, 1.6%; 14 homozygotes.

Submissions (6):

Labcorp Genetics (formerly Invitae), Labcorp
Classification: Benign for Congenital contractural arachnodactyly. Last evaluated: 2025-12-31. Review status: criteria provided, single submitter. Criteria: Invitae Variant Classification Sherloc (09022015). Collection method: clinical testing. Allele origin: germline.

Blueprint Genetics
Classification: Likely benign. Last evaluated: 2024-07-12. Review status: criteria provided, single submitter. Criteria: ACMG Guidelines, 2015. Collection method: clinical testing. Allele origin: germline.

Fulgent Genetics
Classification: Likely benign for Congenital contractural arachnodactyly; Macular degeneration, early-onset. Last evaluated: 2021-10-07. Review status: criteria provided, single submitter. Criteria: ACMG Guidelines, 2015. Collection method: clinical testing. Allele origin: unknown.

GeneDx
Classification: Likely benign. Last evaluated: 2020-06-08. Review status: criteria provided, single submitter. Criteria: GeneDx Variant Classification Process June 2021. Collection method: clinical testing. Allele origin: germline. Affected: yes.
Comment: This variant is associated with the following publications: (PMID: 17345643, 16835936, 18767143)

Ambry Genetics
Classification: Likely benign for Familial thoracic aortic aneurysm and aortic dissection. Last evaluated: 2018-05-03. Review status: criteria provided, single submitter. Criteria: Ambry Variant Classification Scheme 2023. Collection method: clinical testing. Allele origin: germline.

Illumina Laboratory Services, Illumina
Classification: Likely benign for Congenital contractural arachnodactyly. Last evaluated: 2017-04-27. Review status: criteria provided, single submitter. Criteria: ICSL Variant Classification Criteria 13 December 2019. Collection method: clinical testing. Allele origin: germline.
Comment: This variant was observed as part of a predisposition screen in an ostensibly healthy population. A literature search was performed for the gene, cDNA change, and amino acid change (where applicable). Publications were found based on this search. The evidence from the literature, in combination with allele frequency data from public databases where available, was sufficient to determine this variant is unlikely to cause disease. Therefore, this variant is classified as likely benign.

Literature cited by the submitters: PubMed 17345643 (cited by Illumina Laboratory Services, Illumina); PubMed 16835936 (cited by Illumina Laboratory Services, Illumina).